The following is an entry in ClinVar:

NM_052945.4(TNFRSF13C):c.134C>G (p.Pro45Arg)

Genes: TNFRSF13C (TNF receptor superfamily member 13C; minus strand), LOC130067574 (ATAC-STARR-seq lymphoblastoid silent region 13813; plus strand). Cytogenetic location: 22q13.2.
Variant type: single nucleotide variant.
Coding change: c.134C>G on transcript NM_052945.4 (MANE Select); coding-DNA position 134, C replaced by G.
Protein change: p.Pro45Arg; replaces proline 45 with arginine.
Molecular consequence: missense variant.
Genome position (GRCh38, 1-based): chr22:41,926,640, G>C on the plus strand (C>G on the coding strand, the complement: TNFRSF13C is on the minus strand). VCF-style: chr22-41926640-G-C. GRCh37 (hg19) VCF-style: chr22-42322644-G-C.
Other names: short protein forms P45R.
Identifiers: ClinVar variation 2720713 (VCV002720713.3), dbSNP rs1028425566, ClinGen allele CA411763468.

ClinVar aggregate classification (germline): Uncertain significance (1 of 4 stars; one submission).

Conditions:
Immunodeficiency, common variable, 4. Also called: ANTIBODY DEFICIENCY DUE TO BAFFR DEFECT. Identifiers: Orphanet 1572, Orphanet 696925, MedGen C3150739, MONDO:0013284, OMIM 613494.

gnomAD v4.1: 6 of 1,459,008 alleles (0.00041%); highest among the groups gnomAD compares: Non-Finnish European, 0.00054%; no homozygotes.

Submission:

Labcorp Genetics (formerly Invitae), Labcorp
Classification: Uncertain significance for Immunodeficiency, common variable, 4. Last evaluated: 2025-11-11. Review status: criteria provided, single submitter. Criteria: Invitae Variant Classification Sherloc (09022015). Collection method: clinical testing. Allele origin: germline.
Comment: This sequence change replaces proline, which is neutral and non-polar, with arginine, which is basic and polar, at codon 45 of the TNFRSF13C protein (p.Pro45Arg). This variant is present in population databases (no rsID available, gnomAD 0.007%). This variant has not been reported in the literature in individuals affected with TNFRSF13C-related conditions. ClinVar contains an entry for this variant (Variation ID: 2720713). An algorithm developed to predict the effect of missense changes on protein structure and function (PolyPhen-2) suggests that this variant is likely to be disruptive. In summary, the available evidence is currently insufficient to determine the role of this variant in disease. Therefore, it has been classified as a Variant of Uncertain Significance.